The following is an entry in ClinVar:

ClinVar aggregate classification (germline): Uncertain significance (1 of 4 stars; one submission).

Conditions:
Cerebral folate transport deficiency. Also called: FOLR1-Related Cerebral Folate Transport Deficiency; NEURODEGENERATION DUE TO CEREBRAL FOLATE TRANSPORT DEFICIENCY; Neurodegenerative syndrome due to cerebral folate transport deficiency; Cerebral folate deficiency syndrome; FOLATE RECEPTOR DEFICIENCY. Identifiers: Orphanet 217382, MedGen C2751584, MONDO:0013110, OMIM 613068. Disease mechanism: loss of function.

Allele frequency attached by ClinVar (database versions not stated): gnomAD 0.00001; gnomAD exomes 0.00001 and 0.00002; TOPMed 0.00001; ExAC 0.00002; ESP Exome Variant Server 0.00008.
gnomAD v4.1: 19 of 1,614,060 alleles (0.0012%); highest among the groups gnomAD compares: Admixed American, 0.0083%; no homozygotes.

Submission:

Labcorp Genetics (formerly Invitae), Labcorp
Classification: Uncertain significance for Cerebral folate transport deficiency. Last evaluated: 2022-08-31. Review status: criteria provided, single submitter. Criteria: Invitae Variant Classification Sherloc (09022015). Collection method: clinical testing. Allele origin: germline.
Comment: This sequence change replaces arginine, which is basic and polar, with histidine, which is basic and polar, at codon 208 of the FOLR1 protein (p.Arg208His). This variant is present in population databases (rs145250531, gnomAD 0.01%). This variant has not been reported in the literature in individuals affected with FOLR1-related conditions. ClinVar contains an entry for this variant (Variation ID: 575319). Algorithms developed to predict the effect of missense changes on protein structure and function (SIFT, PolyPhen-2, Align-GVGD) all suggest that this variant is likely to be tolerated. In summary, the available evidence is currently insufficient to determine the role of this variant in disease. Therefore, it has been classified as a Variant of Uncertain Significance.

NM_016729.3(FOLR1):c.623G>A (p.Arg208His)

Genes: FOLR1-AS1 (FOLR1 antisense RNA 1; minus strand), FOLR1 (folate receptor alpha; plus strand). Cytogenetic location: 11q13.4.
Variant type: single nucleotide variant.
Coding change: c.623G>A on transcript NM_016729.3 (MANE Select); coding-DNA position 623, G replaced by A.
Protein change: p.Arg208His; replaces arginine 208 with histidine.
Molecular consequence: missense variant.
Genome position (GRCh38, 1-based): chr11:72,196,026, G>A. VCF-style: chr11-72196026-G-A. GRCh37 (hg19) VCF-style: chr11-71907070-G-A.
Other names: c.623G>A, p.Arg208His (NM_000802.3, NM_016724.3, NM_016725.3); short protein forms R208H.
Identifiers: ClinVar variation 575319 (VCV000575319.6), dbSNP rs145250531, ClinGen allele CA6169238.